The following is an entry in ClinVar:

NM_012282.4(KCNE5):c.181C>G (p.Leu61Val)

Gene: KCNE5 (potassium voltage-gated channel subfamily E regulatory subunit 5; minus strand). Cytogenetic location: Xq23.
Variant type: single nucleotide variant.
Coding change: c.181C>G on transcript NM_012282.4 (MANE Select); coding-DNA position 181, C replaced by G.
Protein change: p.Leu61Val; replaces leucine 61 with valine.
Molecular consequence: missense variant.
Genome position (GRCh38, 1-based): chrX:109,624,840, G>C on the plus strand (C>G on the coding strand, the complement: KCNE5 is on the minus strand). VCF-style: chrX-109624840-G-C. GRCh37 (hg19) VCF-style: chrX-108868069-G-C.
Other names: short protein forms L61V.
Identifiers: ClinVar variation 4041489 (VCV004041489.1).
Genomic context (GRCh38, chrX:109,624,840, plus strand): 5'-AGGCCAGGATGAGGCCTCCGGCCAAGCAGGCGTAGAAGATCATGATGAGCAGGATGTAGA[G>C]ATAGGCGTCGTCGCCCTTGGCGCTGGTCACCTCGCGGCCCACGAAAGGGTCAGGCACGAC-3'
Protein context (NP_036414.1, residues 51-71): VTSAKGDDAY[Leu61Val]YILLIMIFYA

ClinVar aggregate classification (germline): Uncertain significance (1 of 4 stars; one submission).

Submission:

Ambry Genetics
Classification: Uncertain significance. Last evaluated: 2025-04-02. Review status: criteria provided, single submitter. Criteria: Ambry Variant Classification Scheme 2023. Collection method: clinical testing. Allele origin: germline.
Comment: The p.L61V variant (also known as c.181C>G), located in coding exon 1 of the KCNE5 gene, results from a C to G substitution at nucleotide position 181. The leucine at codon 61 is replaced by valine, an amino acid with highly similar properties. This amino acid position is conserved. In addition, this alteration is predicted to be tolerated by in silico analysis. Based on the available evidence, the clinical significance of this variant remains unclear.